The following is an entry in ClinVar:

NM_170606.3(KMT2C):c.8137G>C (p.Asp2713His)

Gene: KMT2C (lysine methyltransferase 2C; minus strand). Cytogenetic location: 7q36.1.
Variant type: single nucleotide variant.
Coding change: c.8137G>C on transcript NM_170606.3 (MANE Select); coding-DNA position 8137, G replaced by C.
Protein change: p.Asp2713His; replaces aspartic acid 2713 with histidine.
Molecular consequence: missense variant.
Genome position (GRCh38, 1-based): chr7:152,177,316, C>G on the plus strand (G>C on the coding strand, the complement: KMT2C is on the minus strand). VCF-style: chr7-152177316-C-G. GRCh37 (hg19) VCF-style: chr7-151874401-C-G.
Other names: short protein forms D2713H.
Identifiers: ClinVar variation 3572588 (VCV003572588.1).

ClinVar aggregate classification (germline): Uncertain significance (1 of 4 stars; one submission).

Submission:

GeneDx
Classification: Uncertain significance. Last evaluated: 2024-07-08. Review status: criteria provided, single submitter. Criteria: GeneDx Variant Classification Process June 2021. Collection method: clinical testing. Allele origin: germline. Affected: yes.
Comment: Not observed at significant frequency in large population cohorts (gnomAD); In silico analysis supports that this missense variant has a deleterious effect on protein structure/function; Has not been previously published as pathogenic or benign to our knowledge